The following is an entry in ClinVar:

NM_024741.3(ZNF408):c.406G>A (p.Gly136Ser)

Gene: ZNF408 (zinc finger protein 408; plus strand). Cytogenetic location: 11p11.2.
Variant type: single nucleotide variant.
Coding change: c.406G>A on transcript NM_024741.3 (MANE Select); coding-DNA position 406, G replaced by A.
Protein change: p.Gly136Ser; replaces glycine 136 with serine.
Molecular consequence: missense variant.
Genome position (GRCh38, 1-based): chr11:46,702,997, G>A. VCF-style: chr11-46702997-G-A. GRCh37 (hg19) VCF-style: chr11-46724547-G-A.
Other names: c.382G>A, p.Gly128Ser (NM_001184751.2); short protein forms G136S, G128S.
Identifiers: ClinVar variation 1345748 (VCV001345748.8), dbSNP rs879387793, ClinGen allele CA380252185.

ClinVar aggregate classification (germline): Uncertain significance (1 of 4 stars; one submission).

Submission:

Labcorp Genetics (formerly Invitae), Labcorp
Classification: Uncertain significance. Last evaluated: 2022-03-10. Review status: criteria provided, single submitter. Criteria: Invitae Variant Classification Sherloc (09022015). Collection method: clinical testing. Allele origin: germline.
Comment: This variant is not present in population databases (gnomAD no frequency). In summary, the available evidence is currently insufficient to determine the role of this variant in disease. Therefore, it has been classified as a Variant of Uncertain Significance. Algorithms developed to predict the effect of missense changes on protein structure and function output the following: SIFT: "Tolerated"; PolyPhen-2: "Benign"; Align-GVGD: "Class C0". The serine amino acid residue is found in multiple mammalian species, which suggests that this missense change does not adversely affect protein function. This variant has not been reported in the literature in individuals affected with ZNF408-related conditions. This sequence change replaces glycine, which is neutral and non-polar, with serine, which is neutral and polar, at codon 136 of the ZNF408 protein (p.Gly136Ser).